The following is an entry in ClinVar:

ClinVar aggregate classification (germline): Likely pathogenic (1 of 4 stars; one submission).

Conditions:
Vanishing white matter disease. Also called: CACH syndrome; Childhood ataxia with diffuse central nervous system hypomyelination; Leukoencephalopathy with vanishing white matter; CACH/VWM syndrome; Cree leukoencehalopathy. Identifiers: Orphanet 135, Orphanet 99853, MedGen C1858991, MONDO:0800448.

Submission:

Natera, Inc.
Classification: Likely pathogenic for Leukoencephalopathy with vanishing white matter. Last evaluated: 2025-07-29. Review status: criteria provided, single submitter. Criteria: Natera Variant Classification Schema (03/2026). Collection method: clinical testing. Allele origin: germline.
Comment: The c.806G>T variant in EIF2B5 is a missense variant predicted to cause substitution of arginine to leucine at amino acid 269. This variant is rare in the general population with a frequency below the threshold expected for the associated phenotype(s). This variant has been observed in one or more individuals affected with the associated recessive disease, as either homozygous or compound heterozygous with a second variant (PMID: 15136673). A different variant at the same position has been determined to be Pathogenic or Likely Pathogenic. Computational prediction algorithms indicate this variant is likely to affect gene or protein function. Given the available evidence, this variant is classified as Likely Pathogenic.

Literature cited by the submitters: PubMed 15136673.

NM_003907.3(EIF2B5):c.806G>T (p.Arg269Leu)

Gene: EIF2B5 (eukaryotic translation initiation factor 2B subunit epsilon; plus strand). Cytogenetic location: 3q27.1.
Variant type: single nucleotide variant.
Coding change: c.806G>T on transcript NM_003907.3 (MANE Select); coding-DNA position 806, G replaced by T.
Protein change: p.Arg269Leu; replaces arginine 269 with leucine.
Molecular consequence: missense variant.
Genome position (GRCh38, 1-based): chr3:184,140,120, G>T. VCF-style: chr3-184140120-G-T. GRCh37 (hg19) VCF-style: chr3-183857908-G-T.
Other names: short protein forms R269L.
Identifiers: ClinVar variation 4815285 (VCV004815285.1).
Genomic context (GRCh38, chr3:184,140,120, plus strand): 5'-ACTCCACTTCCCTTCCACAGGTGGCACAACTCTTTACAGACAACTTTGACTACCAAACTC[G>T]AGATGACTTTGTGCGAGGTCTCTTAGTGAATGAGGAGGTGAGAAAAGTCTTCCAATGCCT-3'
Protein context (NP_003898.2, residues 259-279): LFTDNFDYQT[Arg269Leu]DDFVRGLLVN